The following is an entry in ClinVar:

NM_015158.5(KANK1):c.2201G>A (p.Arg734Gln)

Gene: KANK1 (KN motif and ankyrin repeat domains 1; plus strand). Cytogenetic location: 9p24.3.
Variant type: single nucleotide variant.
Coding change: c.2201G>A on transcript NM_015158.5 (MANE Select); coding-DNA position 2201, G replaced by A.
Protein change: p.Arg734Gln; replaces arginine 734 with glutamine.
Molecular consequence: missense variant. On other transcripts: non-coding transcript variant (1).
Genome position (GRCh38, 1-based): chr9:712,967, G>A. VCF-style: chr9-712967-G-A. GRCh37 (hg19) VCF-style: chr9-712967-G-A.
Other names: c.2201G>A, p.Arg734Gln (NM_001256876.3, NM_001256877.3, NM_001354331.2 and 2 more transcripts); c.1727G>A, p.Arg576Gln (NM_001354333.2, NM_001354335.2, NM_001354336.2 and 9 more transcripts); short protein forms R576Q, R734Q.
Identifiers: ClinVar variation 3713961 (VCV003713961.2).
Genomic context (GRCh38, chr9:712,967, plus strand): 5'-CGCGGACAGTAGCTGTAGGAGAAGGCCGTGTCAAGGACATCAACTCCTCCACCAAGACGC[G>A]GTCCATTGGTGTTGGAACGTTGCTTTCTGGCCATTCTGGGTTTGACAGGCCATCAGCTGT-3'
Protein context (NP_055973.2, residues 724-744): VKDINSSTKT[Arg734Gln]SIGVGTLLSG

ClinVar aggregate classification (germline): Uncertain significance (1 of 4 stars; one submission).

gnomAD v4.1: 23 of 1,614,036 alleles (0.0014%); highest among the groups gnomAD compares: East Asian, 0.0067%; no homozygotes.

Submission:

Labcorp Genetics (formerly Invitae), Labcorp
Classification: Uncertain significance. Last evaluated: 2024-09-23. Review status: criteria provided, single submitter. Criteria: Invitae Variant Classification Sherloc (09022015). Collection method: clinical testing. Allele origin: germline.
Comment: This sequence change replaces arginine, which is basic and polar, with glutamine, which is neutral and polar, at codon 734 of the KANK1 protein (p.Arg734Gln). This variant is present in population databases (rs368541566, gnomAD 0.01%). This variant has not been reported in the literature in individuals affected with KANK1-related conditions. Invitae Evidence Modeling of protein sequence and biophysical properties (such as structural, functional, and spatial information, amino acid conservation, physicochemical variation, residue mobility, and thermodynamic stability) indicates that this missense variant is expected to disrupt KANK1 protein function with a positive predictive value of 80%. In summary, the available evidence is currently insufficient to determine the role of this variant in disease. Therefore, it has been classified as a Variant of Uncertain Significance.